The following is an entry in ClinVar:

ClinVar aggregate classification (germline): Likely benign. Review status: criteria provided, multiple submitters, no conflicts (2 of 4 stars). 3 submissions from 3 submitters: Likely benign (2). 1 of the submissions does not count toward it. Last evaluated 2022-07-19.

Conditions:
EPCAM-related disorder. Also called: EPCAM-related condition.
Hereditary cancer-predisposing syndrome. Also called: Hereditary neoplastic syndrome; Tumor predisposition; Hereditary Cancer Syndrome; Neoplastic Syndromes, Hereditary. Identifiers: Orphanet 140162, MedGen C0027672, MeSH D009386, MONDO:0015356.

Allele frequency attached by ClinVar (database versions not stated): gnomAD exomes below 0.00001 and 0.00001; ExAC 0.00001; gnomAD 0.00001 and 0.00002; TOPMed 0.00006; ESP Exome Variant Server 0.00008.
gnomAD v4.1: 9 of 1,613,886 alleles (0.00056%); highest among the groups gnomAD compares: African/African-American, 0.008%; no homozygotes.

Submissions (3):

Labcorp Genetics (formerly Invitae), Labcorp
Classification: Likely benign. Last evaluated: 2022-07-19. Review status: criteria provided, single submitter. Criteria: Invitae Variant Classification Sherloc (09022015). Collection method: clinical testing. Allele origin: germline.

Ambry Genetics
Classification: Likely benign for Hereditary cancer-predisposing syndrome. Last evaluated: 2022-02-27. Review status: criteria provided, single submitter. Criteria: Ambry Variant Classification Scheme 2023. Collection method: clinical testing. Allele origin: germline.

PreventionGenetics, part of Exact Sciences
Classification: Likely benign for EPCAM-related condition. Last evaluated: 2020-11-17. Review status: no assertion criteria provided. Collection method: clinical testing. Allele origin: germline. Not counted in ClinVar's aggregate classification.
Comment: This variant is classified as likely benign based on ACMG/AMP sequence variant interpretation guidelines (Richards et al. 2015 PMID: 25741868, with internal and published modifications).

NM_002354.3(EPCAM):c.297C>T (p.Cys99=)

Gene: EPCAM (epithelial cell adhesion molecule; plus strand). Cytogenetic location: 2p21.
Variant type: single nucleotide variant.
Coding change: c.297C>T on transcript NM_002354.3 (MANE Select); coding-DNA position 297, C replaced by T.
Protein change: p.Cys99=; no amino-acid change (cysteine 99 retained).
Molecular consequence: synonymous variant.
Genome position (GRCh38, 1-based): chr2:47,373,920, C>T. VCF-style: chr2-47373920-C-T. GRCh37 (hg19) VCF-style: chr2-47601059-C-T.
Identifiers: ClinVar variation 220795 (VCV000220795.15), dbSNP rs143264703, ClinGen allele CA349135.